The following is an entry in ClinVar:

NM_015102.5(NPHP4):c.3817-6T>C

Gene: NPHP4 (nephrocystin 4; minus strand). Cytogenetic location: 1p36.31.
Variant type: single nucleotide variant.
Coding change: c.3817-6T>C on transcript NM_015102.5 (MANE Select); 6 bases into the intron before coding-DNA position 3817, T replaced by C.
Molecular consequence: intron variant.
Genome position (GRCh38, 1-based): chr1:5,864,523, A>G on the plus strand (T>C on the coding strand, the complement: NPHP4 is on the minus strand). VCF-style: chr1-5864523-A-G. GRCh37 (hg19) VCF-style: chr1-5924583-A-G.
Other names: c.2281-6T>C (NM_001291594.2); c.2278-6T>C (NM_001291593.2).
Identifiers: ClinVar variation 3031263 (VCV003031263.2), dbSNP rs1248855637, ClinGen allele CA520737221.

ClinVar aggregate classification (germline): Likely benign (0 of 4 stars; one submission).

Conditions:
NPHP4-related disorder. Also called: NPHP4-related condition; NPHP4-related disorders. Identifiers: MedGen CN239384.

Allele frequency attached by ClinVar (database versions not stated): gnomAD exomes below 0.00001; TOPMed below 0.00001; gnomAD 0.00001.
gnomAD v4.1: 2 of 1,543,970 alleles (0.00013%); highest among the groups gnomAD compares: Admixed American, 0.0039%; no homozygotes.

Submission:

PreventionGenetics, part of Exact Sciences
Classification: Likely benign for NPHP4-related condition. Last evaluated: 2021-04-29. Review status: no assertion criteria provided. Collection method: clinical testing. Allele origin: germline.
Comment: This variant is classified as likely benign based on ACMG/AMP sequence variant interpretation guidelines (Richards et al. 2015 PMID: 25741868, with internal and published modifications).